The following is an entry in ClinVar:

ClinVar aggregate classification (germline): Uncertain significance (1 of 4 stars; one submission).

Conditions:
Hereditary cancer-predisposing syndrome. Also called: Tumor predisposition; Neoplastic Syndromes, Hereditary; Hereditary neoplastic syndrome; Hereditary Cancer Syndrome. Identifiers: Orphanet 140162, MedGen C0027672, MeSH D009386, MONDO:0015356.

gnomAD v4.1: 1 of 1,613,118 alleles (0.000062%); highest among the groups gnomAD compares: South Asian, 0.0011%; no homozygotes.

Submission:

Ambry Genetics
Classification: Uncertain significance for Hereditary cancer-predisposing syndrome. Last evaluated: 2025-08-11. Review status: criteria provided, single submitter. Criteria: Ambry Variant Classification Scheme 2023. Collection method: clinical testing. Allele origin: germline.
Comment: The p.L137S variant (also known as c.410T>C), located in coding exon 4 of the MITF gene, results from a T to C substitution at nucleotide position 410. The leucine at codon 137 is replaced by serine, an amino acid with dissimilar properties. This amino acid position is conserved. In addition, the in silico prediction for this alteration is inconclusive. Based on the available evidence, the clinical significance of this variant remains unclear.

NM_001354604.2(MITF):c.731T>C (p.Leu244Ser)

Gene: MITF (melanocyte inducing transcription factor; plus strand). Cytogenetic location: 3p13.
Variant type: single nucleotide variant.
Coding change: c.731T>C on transcript NM_001354604.2 (MANE Select); coding-DNA position 731, T replaced by C.
Protein change: p.Leu244Ser; replaces leucine 244 with serine.
Molecular consequence: missense variant.
Genome position (GRCh38, 1-based): chr3:69,941,300, T>C. VCF-style: chr3-69941300-T-C. GRCh37 (hg19) VCF-style: chr3-69990451-T-C.
Other names: c.410T>C, p.Leu137Ser (NM_000248.4, NM_198158.3); c.575T>C, p.Leu192Ser (NM_001184967.2, NM_001354608.2); c.728T>C, p.Leu243Ser (NM_001354605.2, NM_001354606.2, NM_006722.3); c.680T>C, p.Leu227Ser (NM_001354607.2); c.731T>C, p.Leu244Ser (NM_198159.3); c.683T>C, p.Leu228Ser (NM_198177.3); c.242T>C, p.Leu81Ser (NM_198178.3); short protein forms L227S, L243S, L192S, L81S, L137S, L228S, L244S.
Identifiers: ClinVar variation 4108304 (VCV004108304.1).
Genomic context (GRCh38, chr3:69,941,300, plus strand): 5'-ATGATGTAATCGATGACATCATTAGCCTAGAATCAAGTTATAATGAGGAAATCTTGGGCT[T>C]GATGGATCCTGCTTTGCAAATGGCAAATACGGTATTGATAACCTTTTTTTAAGTAGAAAA-3'
Protein context (NP_001341533.1, residues 234-254): ESSYNEEILG[Leu244Ser]MDPALQMANT